The following is an entry in ClinVar:

ClinVar aggregate classification (germline): Uncertain significance (1 of 4 stars; one submission).

Conditions:
Hereditary cancer-predisposing syndrome. Also called: Hereditary neoplastic syndrome; Neoplastic Syndromes, Hereditary; Tumor predisposition; Hereditary Cancer Syndrome. Identifiers: Orphanet 140162, MedGen C0027672, MeSH D009386, MONDO:0015356.

Submission:

Ambry Genetics
Classification: Uncertain significance for Hereditary cancer-predisposing syndrome. Last evaluated: 2024-12-20. Review status: criteria provided, single submitter. Criteria: Ambry Variant Classification Scheme 2023. Collection method: clinical testing. Allele origin: germline.
Comment: The p.W516R variant (also known as c.1546T>A), located in coding exon 13 of the EGFR gene, results from a T to A substitution at nucleotide position 1546. The tryptophan at codon 516 is replaced by arginine, an amino acid with dissimilar properties. This amino acid position is conserved. In addition, this alteration is predicted to be deleterious by in silico analysis. Based on the available evidence, the clinical significance of this variant remains unclear.

NM_005228.5(EGFR):c.1546T>A (p.Trp516Arg)

Gene: EGFR (epidermal growth factor receptor; plus strand). Cytogenetic location: 7p11.2.
Variant type: single nucleotide variant.
Coding change: c.1546T>A on transcript NM_005228.5 (MANE Select); coding-DNA position 1546, T replaced by A.
Protein change: p.Trp516Arg; replaces tryptophan 516 with arginine.
Molecular consequence: missense variant.
Genome position (GRCh38, 1-based): chr7:55,161,546, T>A. VCF-style: chr7-55161546-T-A. GRCh37 (hg19) VCF-style: chr7-55229239-T-A.
Other names: c.1411T>A, p.Trp471Arg (NM_001346897.2, NM_001346899.2); c.1546T>A, p.Trp516Arg (NM_001346898.2, NM_201282.2, NM_201284.2); c.1387T>A, p.Trp463Arg (NM_001346900.2); c.745T>A, p.Trp249Arg (NM_001346941.2); short protein forms W463R, W471R, W516R, W249R.
Identifiers: ClinVar variation 3843773 (VCV003843773.1).
Genomic context (GRCh38, chr7:55,161,546, plus strand): 5'-TCTGTCTCCGCAGAGGCCACAGGCCAGGTCTGCCATGCCTTGTGCTCCCCCGAGGGCTGC[T>A]GGGGCCCGGAGCCCAGGGACTGCGTCTCTTGCCGGAATGTCAGCCGAGGCAGGGAATGCG-3'
Protein context (NP_005219.2, residues 506-526): CHALCSPEGC[Trp516Arg]GPEPRDCVSC